The following is an entry in ClinVar:

ClinVar aggregate classification (germline): Pathogenic/Likely pathogenic. Review status: criteria provided, multiple submitters, no conflicts (2 of 4 stars). 12 submissions from 12 submitters: Pathogenic (6); Likely pathogenic (3). 3 of the submissions do not count toward it. Last evaluated 2026-03-02.

Conditions:
Congenital heart defects, dysmorphic facial features, and intellectual developmental disorder (CHDFIDD). Identifiers: Orphanet 646278, MedGen C4479246, MONDO:0044302, OMIM 617360.
Inborn genetic diseases. Identifiers: MedGen C0950123, MeSH D030342.
CDK13-related disorder. Also called: CDK13-related condition. Identifiers: MedGen C5816700.

Submissions (12):

Broad Center for Mendelian Genomics, Broad Institute of MIT and Harvard
Classification: Likely pathogenic for Congenital heart defects, dysmorphic facial features, and intellectual developmental disorder. Last evaluated: 2026-03-02. Review status: criteria provided, single submitter. Criteria: ACMG Guidelines, 2015. Collection method: research. Allele origin: germline. Inheritance: Autosomal dominant inheritance.
Comment: The heterozygous p.Arg880Cys variant in CDK13 was identified in 1 individual with features of congenital heart defects, dysmorphic facial features, and intellectual developmental disorder via a collaborative study between the Broad Institute's Center for Mendelian Genomics and the NeuroDev Study. The p.Arg880Cys variant in CDK13 has been reported in at least 4 individuals with congenital heart defects, dysmorphic facial features, and intellectual developmental disorder (PMID 29393965, 36980980, 36599938), and was absent from large population studies. This variant has also been reported in ClinVar (Variation ID: 976738) and has been interpreted as pathogenic/likely pathogenic by several labs. The number of reported affected individuals with this variant is greater than expected compared to non-affected individuals with this variant. This variant is assumed de novo in 2 individuals, but maternity and paternity have not been confirmed (PMID: 29393965, 36980980/SCV002577685.1). Computational prediction tools and conservation analyses suggest that this variant may impact the protein, though this information is not predictive enough to determine pathogenicity. In summary, although additional studies are required to fully establish its clinical significance, this variant is likely pathogenic for autosomal dominant congenital heart defects, dysmorphic facial features, and intellectual developmental disorder. ACMG/AMP Criteria applied: PM6, PS4_moderate, PP3, PM2_supporting (Richards 2015).

Greenwood Genetic Center Diagnostic Laboratories, Greenwood Genetic Center
Classification: Pathogenic for Congenital heart defects, dysmorphic facial features, and intellectual developmental disorder. Last evaluated: 2025-05-29. Review status: criteria provided, single submitter. Criteria: ACMG Guidelines, 2015. Collection method: clinical testing. Allele origin: germline. Affected: yes.
Comment: PS2, PS4, PM2, PM6_Strong, PP3

GeneDx
Classification: Pathogenic. Last evaluated: 2025-03-13. Review status: criteria provided, single submitter. Criteria: GeneDx Variant Classification Process June 2021. Collection method: clinical testing. Allele origin: germline.
Comment: Not observed at significant frequency in large population cohorts (gnomAD); In silico analysis supports that this missense variant has a deleterious effect on protein structure/function; This variant is associated with the following publications: (PMID: 33057194, 35982159, 29393965)

Blueprint Genetics
Classification: Pathogenic for CDK13-related disorders. Last evaluated: 2024-10-07. Review status: criteria provided, single submitter. Criteria: ACMG Guidelines, 2015. Collection method: clinical testing. Allele origin: germline. Affected: yes. Observed: 1 variant allele.

CeGaT Center for Human Genetics Tuebingen
Classification: Pathogenic. Last evaluated: 2023-06-01. Review status: criteria provided, single submitter. Criteria: CeGaT Center For Human Genetics Tuebingen Variant Classification Criteria Version 2. Collection method: clinical testing. Allele origin: germline. Affected: yes. Observed: 1 variant allele.
Comment: CDK13: PS2, PM1, PM2, PS4:Moderate, PP2

3billion
Classification: Pathogenic for Congenital heart defects, dysmorphic facial features, and intellectual developmental disorder. Last evaluated: 2023-02-23. Review status: criteria provided, single submitter. Criteria: ACMG Guidelines, 2015. Collection method: clinical testing. Allele origin: unknown. Affected: yes.
Comment: The variant is not observed in the gnomAD v2.1.1 dataset. Missense changes are a common disease-causing mechanism. In silico tool predictions suggest damaging effect of the variant on gene or gene product (REVEL: 0.68; 3Cnet: 0.96). Same nucleotide change resulting in same amino acid change has been previously reported as pathogenic/likely pathogenic with strong evidence (ClinVar ID: VCV000976738). The variant has been previously reported as de novo in a similarly affected individual (PMID: 29393965). Therefore, this variant is classified as Pathogenic according to the recommendation of ACMG/AMP guideline.

Genetics Laboratory, UDIAT-Centre Diagnòstic, Hospital Universitari Parc Tauli
Classification: Pathogenic for Congenital heart defects, dysmorphic facial features, and intellectual developmental disorder. Last evaluated: 2022-10-04. Review status: criteria provided, single submitter. Criteria: Parc Tauli Hospital Assertion Criteria 2021. Collection method: clinical testing. Allele origin: de novo. Inheritance: Autosomal dominant inheritance. Affected: yes.
Comment: PS1;PM1;PM2_supporting;PM6;PP2;PP3

Ambry Genetics
Classification: Likely pathogenic for Inborn genetic diseases. Last evaluated: 2022-02-10. Review status: criteria provided, single submitter. Criteria: Ambry Variant Classification Scheme 2023. Collection method: clinical testing. Allele origin: germline.
Comment: The c.2638C>T (p.R880C) alteration is located in exon 8 (coding exon 8) of the CDK13 gene. This alteration results from a C to T substitution at nucleotide position 2638, causing the arginine (R) at amino acid position 880 to be replaced by a cysteine (C). This variant was not reported in population-based cohorts in the Genome Aggregation Database (gnomAD). This alteration was reported de novo in an individual with feeding problems, borderline intellectual disability, behavioral problems, hypotonia, sleep problems, periventricular leukodystrophy, dysmorphic facial features (including blepharophimosis, strabismus, hypertelorism, large mouth, flat midface, upslanting palpebral fissures, short nose, epicanthal folds, and flared eyebrows), gynecomastia, sloping shoulders, inverted nipples, tapered fingers, fetal pads, pes planus, caf&eacute; au lait spots, metabolic abnormalities, and muscle biopsy with many type I fibers and small type II fibers (van den Akker, 2018). This amino acid position is highly conserved in available vertebrate species. This missense alteration is located in a region that has a low rate of benign missense variation (Lek, 2016; Firth, 2009). The in silico prediction for this alteration is inconclusive. Based on the available evidence, this alteration is classified as likely pathogenic.

Institute of Human Genetics Munich, TUM University Hospital
Classification: Likely pathogenic for Congenital heart defects, dysmorphic facial features, and intellectual developmental disorder. Last evaluated: 2020-05-20. Review status: criteria provided, single submitter. Criteria: Classification criteria August 2017. Collection method: clinical testing. Allele origin: germline. Inheritance: Autosomal dominant inheritance. Affected: yes. Observed: 1 heterozygote.

Diagnostic Laboratory, Department of Genetics, University Medical Center Groningen
Classification: Pathogenic. Review status: no assertion criteria provided. Collection method: clinical testing. Allele origin: germline. Affected: yes. Study: VKGL Data-share Consensus. Not counted in ClinVar's aggregate classification.

Genome Diagnostics Laboratory, Amsterdam University Medical Center
Classification: Pathogenic. Review status: no assertion criteria provided. Collection method: clinical testing. Allele origin: germline. Affected: yes. Study: VKGL Data-share Consensus. Not counted in ClinVar's aggregate classification.

Joint Genome Diagnostic Labs from Nijmegen and Maastricht, Radboudumc and MUMC+
Classification: Pathogenic. Review status: no assertion criteria provided. Collection method: clinical testing. Allele origin: germline. Affected: yes. Study: VKGL Data-share Consensus. Not counted in ClinVar's aggregate classification.

Literature cited by the submitters: PubMed 29393965 (cited by 3billion and Ambry Genetics).

NM_003718.5(CDK13):c.2638C>T (p.Arg880Cys)

Gene: CDK13 (cyclin dependent kinase 13; plus strand). Cytogenetic location: 7p14.1.
Variant type: single nucleotide variant.
Coding change: c.2638C>T on transcript NM_003718.5 (MANE Select); coding-DNA position 2638, C replaced by T.
Protein change: p.Arg880Cys; replaces arginine 880 with cysteine.
Molecular consequence: missense variant.
Genome position (GRCh38, 1-based): chr7:40,062,863, C>T. VCF-style: chr7-40062863-C-T. GRCh37 (hg19) VCF-style: chr7-40102462-C-T.
Other names: NM_003718.5(CDK13):c.2638C>T; p.Arg880Cys; c.2638C>T, p.Arg880Cys (NM_031267.4); short protein forms R880C.
Identifiers: ClinVar variation 976738 (VCV000976738.46), dbSNP rs1005618432, ClinGen allele CA157249567.